The following is an entry in ClinVar:

ClinVar aggregate classification (germline): Uncertain significance (1 of 4 stars; one submission).

Conditions:
Neuropathy, hereditary sensory and autonomic, type 2A (HSAN2A). Also called: HSAN IIA; WNK1-Related HSAN2 (HSAN2A); ACROOSTEOLYSIS, GIACCAI TYPE; ACROOSTEOLYSIS, NEUROGENIC; MORVAN DISEASE; NEUROPATHY, CONGENITAL SENSORY. Identifiers: Orphanet 970, MedGen C2752089, MONDO:0024309, OMIM 201300.
Pseudohypoaldosteronism type 2C (PHA2C). Also called: Pseudohypoaldosteronism Type IIC. Identifiers: Orphanet 757, Orphanet 88940, MedGen C1840391, MONDO:0013778, OMIM 614492.

Submission:

Labcorp Genetics (formerly Invitae), Labcorp
Classification: Uncertain significance for Neuropathy, hereditary sensory and autonomic, type 2A; Pseudohypoaldosteronism type 2C. Last evaluated: 2022-04-20. Review status: criteria provided, single submitter. Criteria: Invitae Variant Classification Sherloc (09022015). Collection method: clinical testing. Allele origin: germline.
Comment: This sequence change replaces glutamine, which is neutral and polar, with glutamic acid, which is acidic and polar, at codon 591 of the WNK1 protein (p.Gln591Glu). This variant is not present in population databases (gnomAD no frequency). In summary, the available evidence is currently insufficient to determine the role of this variant in disease. Therefore, it has been classified as a Variant of Uncertain Significance. Advanced modeling of protein sequence and biophysical properties (such as structural, functional, and spatial information, amino acid conservation, physicochemical variation, residue mobility, and thermodynamic stability) performed at Invitae indicates that this missense variant is not expected to disrupt WNK1 protein function. This variant has not been reported in the literature in individuals affected with WNK1-related conditions.

NM_018979.4(WNK1):c.1771C>G (p.Gln591Glu)

Gene: WNK1 (WNK lysine deficient protein kinase 1; plus strand). Cytogenetic location: 12p13.33.
Variant type: single nucleotide variant.
Coding change: c.1771C>G on transcript NM_018979.4 (MANE Select); coding-DNA position 1771, C replaced by G.
Protein change: p.Gln591Glu; replaces glutamine 591 with glutamic acid.
Molecular consequence: missense variant.
Genome position (GRCh38, 1-based): chr12:861,163, C>G. VCF-style: chr12-861163-C-G. GRCh37 (hg19) VCF-style: chr12-970329-C-G.
Other names: c.1771C>G, p.Gln591Glu (NM_001184985.2, NM_014823.3, NM_213655.5); short protein forms Q591E.
Identifiers: ClinVar variation 1980429 (VCV001980429.4), dbSNP rs1592059537, ClinGen allele CA383335193.